The following is an entry in ClinVar:

NM_032383.5(HPS3):c.333_334insTTTAAATTTC (p.Asn112fs)

Gene: HPS3 (HPS3 biogenesis of lysosomal organelles complex 2 subunit 1; plus strand). Cytogenetic location: 3q24.
Variant type: Insertion.
Coding change: c.333_334insTTTAAATTTC on transcript NM_032383.5 (MANE Select); coding-DNA positions 333 to 334, TTTAAATTTC inserted.
Protein change: p.Asn112fs; shifts the reading frame from asparagine 112.
Molecular consequence: frameshift variant. On other transcripts: intron variant (1).
Genome position: GRCh38 VCF-style: chr3-149140119-T-TTTTAAATTTC. GRCh37 (hg19) VCF-style: chr3-148857906-T-TTTTAAATTTC.
Other names: c.218-898_218-897insTTTAAATTTC (NM_001308258.2); short protein forms N112fs.
Identifiers: ClinVar variation 5010402 (VCV005010402.1).

ClinVar aggregate classification (germline): Pathogenic (1 of 4 stars; one submission).

Conditions:
Hermansky-Pudlak syndrome 3 (HPS3). Identifiers: Orphanet 231512, Orphanet 79430, MedGen C3888001, MONDO:0013555, OMIM 614072.

Submission:

Myriad Genetics, Inc.
Classification: Pathogenic for Hermansky-Pudlak syndrome 3. Last evaluated: 2024-05-14. Review status: criteria provided, single submitter. Criteria: Myriad Autosomal Dominant, Autosomal Recessive and X-Linked Classification Criteria (2023). Collection method: clinical testing. Allele origin: unknown.
Comment: NM_032383.3(HPS3):c.333_334ins10(N112Ffs*21) is expected to be pathogenic in the context of Hermansky-Pudlak syndrome, HPS3-related. This variant is predicted to lead to an abnormal or absent protein product due to the creation of a premature termination codon in HPS3, a gene where loss-of-function variants are known to be pathogenic. Please note: this variant was assessed in the context of healthy population screening.